The following is an entry in ClinVar:

ClinVar aggregate classification (germline): Uncertain significance (1 of 4 stars; one submission).

Conditions:
Emery-Dreifuss muscular dystrophy 5, autosomal dominant (EDMD5). Also called: EMERY-DREIFUSS MUSCULAR DYSTROPHY 5. Identifiers: Orphanet 261, MedGen C2751805, MONDO:0013072, OMIM 612999.

Allele frequency attached by ClinVar (database versions not stated): gnomAD exomes 0.00001; ExAC 0.00002; TOPMed 0.00002; gnomAD 0.00003; 1000 Genomes Project 30x 0.00016; 1000 Genomes Project 0.00020.
gnomAD v4.1: 23 of 1,614,106 alleles (0.0014%); highest among the groups gnomAD compares: African/African-American, 0.008%; no homozygotes.

Submission:

Labcorp Genetics (formerly Invitae), Labcorp
Classification: Uncertain significance for Emery-Dreifuss muscular dystrophy 5, autosomal dominant. Last evaluated: 2025-01-30. Review status: criteria provided, single submitter. Criteria: Invitae Variant Classification Sherloc (09022015). Collection method: clinical testing. Allele origin: germline.
Comment: This sequence change replaces isoleucine, which is neutral and non-polar, with valine, which is neutral and non-polar, at codon 5647 of the SYNE2 protein (p.Ile5647Val). This variant is present in population databases (rs565917973, gnomAD 0.01%). This variant has not been reported in the literature in individuals affected with SYNE2-related conditions. ClinVar contains an entry for this variant (Variation ID: 2061728). An algorithm developed to predict the effect of missense changes on protein structure and function outputs the following: PolyPhen-2: "Benign". The valine amino acid residue is found in multiple mammalian species, which suggests that this missense change does not adversely affect protein function. In summary, the available evidence is currently insufficient to determine the role of this variant in disease. Therefore, it has been classified as a Variant of Uncertain Significance.

NM_182914.3(SYNE2):c.16939A>G (p.Ile5647Val)

Gene: SYNE2 (spectrin repeat containing nuclear envelope protein 2; plus strand). Cytogenetic location: 14q23.2.
Variant type: single nucleotide variant.
Coding change: c.16939A>G on transcript NM_182914.3 (MANE Select); coding-DNA position 16939, A replaced by G.
Protein change: p.Ile5647Val; replaces isoleucine 5647 with valine.
Molecular consequence: missense variant.
Genome position (GRCh38, 1-based): chr14:64,168,910, A>G. VCF-style: chr14-64168910-A-G. GRCh37 (hg19) VCF-style: chr14-64635628-A-G.
Other names: c.16939A>G, p.Ile5647Val (NM_015180.6); short protein forms I5647V.
Identifiers: ClinVar variation 2061728 (VCV002061728.4), dbSNP rs565917973, ClinGen allele CA7223546.